The following is an entry in ClinVar:

NM_018192.4(P3H2):c.29TGC[3] (p.Leu13_Leu14del)

Genes: P3H2 (prolyl 3-hydroxylase 2; minus strand), LOC123464484 (Sharpr-MPRA regulatory region 10063; plus strand). Cytogenetic location: 3q28.
Variant type: Microsatellite.
Coding change: c.29TGC[3] on transcript NM_018192.4 (MANE Select); three copies in a row of the 3-base unit TGC starting at c.29; the reference has five copies in a row; two copies, 6 bases deleted.
Protein change: p.Leu13_Leu14del.
Molecular consequence: inframe deletion. On other transcripts: intron variant (1).
Genome position (GRCh38, 1-based): chr3:190,120,689-190,120,694, GCAGCA deleted on the plus strand (TGCTGC on the coding strand, the reverse complement: P3H2 is on the minus strand); deleting any 6 consecutive bases within chr3:190,120,689-190,120,705 gives the same sequence; the position shown is the placement nearest the transcript's 3' end. VCF-style (leftmost placement, unchanged base first): chr3-190120688-GGCAGCA-G. GRCh37 (hg19) VCF-style: chr3-189838477-GGCAGCA-G.
Other names: c.-64+1500TGC[3] (NM_001134418.2).
Identifiers: ClinVar variation 1008381 (VCV001008381.2), dbSNP rs748164416, ClinGen allele CA90197239.

ClinVar aggregate classification (germline): Uncertain significance (1 of 4 stars; one submission).

Submission:

Labcorp Genetics (formerly Invitae), Labcorp
Classification: Uncertain significance. Last evaluated: 2021-11-30. Review status: criteria provided, single submitter. Criteria: Invitae Variant Classification Sherloc (09022015). Collection method: clinical testing. Allele origin: germline.
Comment: This variant, c.38_43del, results in the deletion of 2 amino acid(s) of the P3H2 protein (p.Leu13_Leu14del), but otherwise preserves the integrity of the reading frame. This variant is not present in population databases (gnomAD no frequency). This variant has not been reported in the literature in individuals affected with P3H2-related conditions. Experimental studies and prediction algorithms are not available or were not evaluated, and the functional significance of this variant is currently unknown. In summary, the available evidence is currently insufficient to determine the role of this variant in disease. Therefore, it has been classified as a Variant of Uncertain Significance.